The following is an entry in ClinVar:

ClinVar aggregate classification (germline): Conflicting classifications of pathogenicity. Review status: criteria provided, conflicting classifications (1 of 4 stars). 9 submissions from 9 submitters: Uncertain significance (8); Benign (1). Last evaluated 2026-09-14.

Conditions:
Hereditary diffuse gastric adenocarcinoma (HDGC). Also called: DIFFUSE GASTRIC AND LOBULAR BREAST CANCER SYNDROME. Identifiers: Orphanet 26106, MedGen C1708349, MONDO:0007648, OMIM 137215.
Familial cancer of breast. Also called: Hereditary breast cancer; hereditary breast carcinoma; BREAST CANCER, FAMILIAL. Identifiers: Orphanet 227535, MedGen C0346153, MONDO:0016419, OMIM 114480. Disease mechanism: loss of function.
Blepharocheilodontic syndrome 1 (BCDS1). Identifiers: Orphanet 1997, MedGen C4551988, MONDO:0054740, OMIM 119580.
Endometrial carcinoma. Also called: Endometrial carcinoma, somatic. Identifiers: MedGen C0476089, MONDO:0002447, OMIM 608089, HP:0012114.
Ovarian cancer. Also called: OVARIAN CANCER, SOMATIC. Identifiers: Orphanet 213500, MedGen C1140680, MONDO:0008170, OMIM 167000.
CDH1-related diffuse gastric and lobular breast cancer syndrome. Also called: CDH1-related diffuse gastric and lobular breast cancer. Identifiers: MedGen CN311521, MONDO:0100488.
Hereditary cancer-predisposing syndrome. Also called: Tumor predisposition; Hereditary Cancer Syndrome; Hereditary neoplastic syndrome; Neoplastic Syndromes, Hereditary. Identifiers: Orphanet 140162, MedGen C0027672, MeSH D009386, MONDO:0015356.

Allele frequency attached by ClinVar (database versions not stated): TOPMed below 0.00001.

Submissions (9):

Hema, HEMA – Genetic and Molecular Diagnostic Laboratory
Classification: Uncertain significance for CDH1-related diffuse gastric and lobular breast cancer syndrome. Last evaluated: 2026-09-14. Review status: criteria provided, single submitter. Criteria: HEMA Variant Classification Assertion Criteria. Collection method: clinical testing. Allele origin: germline.
Comment: The c.56C>G (p.Ser19Cys) variant is a transversion from cytosine to guanine resulting in the substitution of serine 19 with cysteine in the CDH1 protein. PM2_Supporting: Not present in gnomAD v4.1.2.

Ambry Genetics
Classification: Benign for Hereditary cancer-predisposing syndrome. Last evaluated: 2026-08-06. Review status: criteria provided, single submitter. Criteria: Ambry Variant Classification Scheme 2023. Collection method: clinical testing. Allele origin: germline.

Center for Genomic Medicine, Rigshospitalet, Copenhagen University Hospital
Classification: Uncertain significance. Last evaluated: 2025-03-04. Review status: criteria provided, single submitter. Criteria: ACMG Guidelines, 2015. Collection method: clinical testing. Allele origin: germline.
Comment: Classification criteria: PM2_supporting

Fulgent Genetics
Classification: Uncertain significance for Familial cancer of breast; Blepharocheilodontic syndrome 1; Hereditary diffuse gastric adenocarcinoma; Ovarian cancer; Endometrial carcinoma. Last evaluated: 2024-06-19. Review status: criteria provided, single submitter. Criteria: ACMG Guidelines, 2015. Collection method: clinical testing. Allele origin: germline.

Color Diagnostics, LLC DBA Color Health
Classification: Uncertain significance for Hereditary cancer-predisposing syndrome. Last evaluated: 2024-05-31. Review status: criteria provided, single submitter. Criteria: ACMG Guidelines, 2015. Collection method: clinical testing. Allele origin: germline.
Comment: This missense variant replaces serine with cysteine at codon 19 of the CDH1 protein. To our knowledge, functional studies have not been reported for this variant. This variant has not been reported in individuals affected with CDH1-related disorders in the literature. This variant has not been identified in the general population by the Genome Aggregation Database (gnomAD). The available evidence is insufficient to determine the role of this variant in disease conclusively. Therefore, this variant is classified as a Variant of Uncertain Significance.

Baylor Genetics
Classification: Uncertain significance for Familial cancer of breast. Last evaluated: 2024-03-05. Review status: criteria provided, single submitter. Criteria: ACMG Guidelines, 2015. Collection method: clinical testing. Allele origin: unknown.

GeneDx
Classification: Uncertain significance. Last evaluated: 2023-03-03. Review status: criteria provided, single submitter. Criteria: GeneDx Variant Classification Process June 2021. Collection method: clinical testing. Allele origin: germline. Affected: yes.
Comment: Not observed at significant frequency in large population cohorts (gnomAD); In silico analysis supports that this missense variant does not alter protein structure/function; Has not been previously published as pathogenic or benign to our knowledge; This variant is associated with the following publications: (PMID: 15235021)

European Reference Network on Genetic Tumour Risk Syndromes (ERN-GENTURIS), i3s - Instituto de Investigação e Inovação em Saúde, University of Porto
Classification: Uncertain significance for Hereditary diffuse gastric adenocarcinoma. Last evaluated: 2022-08-01. Review status: criteria provided, single submitter. Criteria: Lee et al. (Hum Mutat. 2018). Collection method: clinical testing. Allele origin: germline. Inheritance: Autosomal dominant inheritance. Affected: no. Study: ERN GENTURIS.
Comment: PM2 (PMID: 30311375)

Labcorp Genetics (formerly Invitae), Labcorp
Classification: Uncertain significance for Hereditary diffuse gastric adenocarcinoma. Last evaluated: 2022-01-11. Review status: criteria provided, single submitter. Criteria: Invitae Variant Classification Sherloc (09022015). Collection method: clinical testing. Allele origin: germline.
Comment: In summary, the available evidence is currently insufficient to determine the role of this variant in disease. Therefore, it has been classified as a Variant of Uncertain Significance. Algorithms developed to predict the effect of missense changes on protein structure and function are either unavailable or do not agree on the potential impact of this missense change (SIFT: "Deleterious"; PolyPhen-2: "Benign"; Align-GVGD: "Class C0"). ClinVar contains an entry for this variant (Variation ID: 479528). This variant has not been reported in the literature in individuals affected with CDH1-related conditions. This variant is not present in population databases (gnomAD no frequency). This sequence change replaces serine, which is neutral and polar, with cysteine, which is neutral and slightly polar, at codon 19 of the CDH1 protein (p.Ser19Cys).

Literature cited by the submitters: PubMed 36436516 (cited by European Reference Network on Genetic Tumour Risk Syndromes (ERN-GENTURIS), i3s - Instituto de Investigação e Inovação em Saúde, University of Porto).

NM_004360.5(CDH1):c.56C>G (p.Ser19Cys)

Gene: CDH1 (cadherin 1; plus strand). Cytogenetic location: 16q22.1.
Variant type: single nucleotide variant.
Coding change: c.56C>G on transcript NM_004360.5 (MANE Select); coding-DNA position 56, C replaced by G.
Protein change: p.Ser19Cys; replaces serine 19 with cysteine.
Molecular consequence: missense variant. On other transcripts: 5 prime UTR variant (2).
Genome position (GRCh38, 1-based): chr16:68,738,304, C>G. VCF-style: chr16-68738304-C-G. GRCh37 (hg19) VCF-style: chr16-68772207-C-G.
Other names: c.56C>G, p.Ser19Cys (NM_001317184.2); c.-1560C>G (NM_001317185.2); c.-1764C>G (NM_001317186.2); c.56C>G (LRG_301t1); short protein forms S19C.
Identifiers: ClinVar variation 479528 (VCV000479528.23), dbSNP rs1221633501, ClinGen allele CA396451616.